The following is an entry in ClinVar:

ClinVar aggregate classification (germline): Uncertain significance (1 of 4 stars; one submission).

Allele frequency attached by ClinVar (database versions not stated): ExAC 0.00001; gnomAD 0.00002; TOPMed 0.00002; 1000 Genomes Project 30x 0.00016; 1000 Genomes Project 0.00020.

Submission:

Labcorp Genetics (formerly Invitae), Labcorp
Classification: Uncertain significance. Last evaluated: 2024-05-06. Review status: criteria provided, single submitter. Criteria: Invitae Variant Classification Sherloc (09022015). Collection method: clinical testing. Allele origin: germline.
Comment: This sequence change replaces arginine, which is basic and polar, with serine, which is neutral and polar, at codon 499 of the COL27A1 protein (p.Arg499Ser). This variant is present in population databases (rs556668489, gnomAD no frequency). This variant has not been reported in the literature in individuals affected with COL27A1-related conditions. ClinVar contains an entry for this variant (Variation ID: 1986282). Advanced modeling of protein sequence and biophysical properties (such as structural, functional, and spatial information, amino acid conservation, physicochemical variation, residue mobility, and thermodynamic stability) performed at Invitae indicates that this missense variant is not expected to disrupt COL27A1 protein function with a negative predictive value of 80%. In summary, the available evidence is currently insufficient to determine the role of this variant in disease. Therefore, it has been classified as a Variant of Uncertain Significance.

NM_032888.4(COL27A1):c.1497G>T (p.Arg499Ser)

Gene: COL27A1 (collagen type XXVII alpha 1 chain; plus strand). Cytogenetic location: 9q32.
Variant type: single nucleotide variant.
Coding change: c.1497G>T on transcript NM_032888.4 (MANE Select); coding-DNA position 1497, G replaced by T.
Protein change: p.Arg499Ser; replaces arginine 499 with serine.
Molecular consequence: missense variant.
Genome position (GRCh38, 1-based): chr9:114,169,052, G>T. VCF-style: chr9-114169052-G-T. GRCh37 (hg19) VCF-style: chr9-116931332-G-T.
Other names: short protein forms R499S.
Identifiers: ClinVar variation 1986282 (VCV001986282.3), dbSNP rs556668489, ClinGen allele CA5201395.